The following is an entry in ClinVar:

NM_001367561.1(DOCK7):c.3577G>A (p.Glu1193Lys)

Gene: DOCK7 (dedicator of cytokinesis 7; minus strand). Cytogenetic location: 1p31.3.
Variant type: single nucleotide variant.
Coding change: c.3577G>A on transcript NM_001367561.1 (MANE Select); coding-DNA position 3577, G replaced by A.
Protein change: p.Glu1193Lys; replaces glutamic acid 1193 with lysine.
Molecular consequence: missense variant.
Genome position (GRCh38, 1-based): chr1:62,535,527, C>T on the plus strand (G>A on the coding strand, the complement: DOCK7 is on the minus strand). VCF-style: chr1-62535527-C-T. GRCh37 (hg19) VCF-style: chr1-63001198-C-T.
Other names: c.3577G>A, p.Glu1193Lys (NM_001271999.2, NM_001330614.2); c.3484G>A, p.Glu1162Lys (NM_001272000.2, NM_001272001.2, NM_033407.4); short protein forms E1162K, E1193K.
Identifiers: ClinVar variation 3253386 (VCV003253386.1), dbSNP rs548706843.

ClinVar aggregate classification (germline): Uncertain significance (1 of 4 stars; one submission).

Allele frequency attached by ClinVar (database versions not stated): gnomAD exomes below 0.00001.
gnomAD v4.1: 1 of 1,614,032 alleles (0.000062%); highest among the groups gnomAD compares: South Asian, 0.0011%; no homozygotes.

Submission:

GeneDx
Classification: Uncertain significance. Last evaluated: 2023-12-17. Review status: criteria provided, single submitter. Criteria: GeneDx Variant Classification Process June 2021. Collection method: clinical testing. Allele origin: germline. Affected: yes.
Comment: Not observed at significant frequency in large population cohorts (gnomAD); In silico analysis supports that this missense variant has a deleterious effect on protein structure/function; Has not been previously published as pathogenic or benign to our knowledge